The following is an entry in ClinVar:

ClinVar aggregate classification (germline): Likely benign. Review status: criteria provided, single submitter (1 of 4 stars). 2 submissions from 2 submitters: Likely benign (1). 1 of the submissions does not count toward it. Last evaluated 2022-07-19.

Conditions:
TPP1-related disorder. Also called: TPP1-related condition.

Allele frequency attached by ClinVar (database versions not stated): gnomAD exomes below 0.00001.
gnomAD v4.1: 2 of 1,614,102 alleles (0.00012%); highest among the groups gnomAD compares: Non-Finnish European, 0.00017%; no homozygotes.

Submissions (2):

Labcorp Genetics (formerly Invitae), Labcorp
Classification: Likely benign. Last evaluated: 2022-07-19. Review status: criteria provided, single submitter. Criteria: Invitae Variant Classification Sherloc (09022015). Collection method: clinical testing. Allele origin: germline.

PreventionGenetics, part of Exact Sciences
Classification: Likely benign for TPP1-related condition. Last evaluated: 2023-09-27. Review status: no assertion criteria provided. Collection method: clinical testing. Allele origin: germline. Not counted in ClinVar's aggregate classification.
Comment: This variant is classified as likely benign based on ACMG/AMP sequence variant interpretation guidelines (Richards et al. 2015 PMID: 25741868, with internal and published modifications).

NM_000391.4(TPP1):c.1146-5C>T

Gene: TPP1 (tripeptidyl peptidase 1; minus strand). Cytogenetic location: 11p15.4.
Variant type: single nucleotide variant.
Coding change: c.1146-5C>T on transcript NM_000391.4 (MANE Select); 5 bases into the intron before coding-DNA position 1146, C replaced by T.
Molecular consequence: intron variant.
Genome position (GRCh38, 1-based): chr11:6,615,567, G>A on the plus strand (C>T on the coding strand, the complement: TPP1 is on the minus strand). VCF-style: chr11-6615567-G-A. GRCh37 (hg19) VCF-style: chr11-6636798-G-A.
Other names: c.1146-5C>T (NM_000391.3).
Identifiers: ClinVar variation 1079970 (VCV001079970.11), dbSNP rs2134592207, ClinGen allele CA2499221176.